The following is an entry in ClinVar:

NM_005477.3(HCN4):c.2305C>T (p.Pro769Ser)

Gene: HCN4 (hyperpolarization activated cyclic nucleotide gated potassium channel 4; minus strand). Cytogenetic location: 15q24.1.
Variant type: single nucleotide variant.
Coding change: c.2305C>T on transcript NM_005477.3 (MANE Select); coding-DNA position 2305, C replaced by T.
Protein change: p.Pro769Ser; replaces proline 769 with serine.
Molecular consequence: missense variant.
Genome position (GRCh38, 1-based): chr15:73,323,788, G>A on the plus strand (C>T on the coding strand, the complement: HCN4 is on the minus strand). VCF-style: chr15-73323788-G-A. GRCh37 (hg19) VCF-style: chr15-73616129-G-A.
Other names: short protein forms P769S.
Identifiers: ClinVar variation 1789351 (VCV001789351.8), dbSNP rs751793297, ClinGen allele CA7649053.
Genomic context (GRCh38, chr15:73,323,788, plus strand): 5'-TGGTGGCAGCGGCAGCCTGCAGTGGTGCCTGGATCAGCGGGGTCCAGATGACGGGCGTGG[G>A]GGTTGGGGTGGCAGAGGCAGCAGCCTGGACGCGGTGCGCGCAGTGGGCCATCTCCCGGTC-3'
Protein context (NP_005468.1, residues 759-779): VQAAASATPT[Pro769Ser]TPVIWTPLIQ

ClinVar aggregate classification (germline): Uncertain significance. Review status: criteria provided, multiple submitters, no conflicts (2 of 4 stars). 3 submissions from 3 submitters: Uncertain significance (3). Last evaluated 2025-12-24.

Conditions:
HCN4-related disorder. Also called: HCN4-related condition.
Cardiovascular phenotype. Identifiers: MedGen CN230736.
Brugada syndrome 8 (BRGDA8). Identifiers: Orphanet 130, MedGen C2751083, MONDO:0013148, OMIM 613123.

Allele frequency attached by ClinVar (database versions not stated): ExAC 0.00001; gnomAD 0.00003; TOPMed 0.00003.

Submissions (3):

Labcorp Genetics (formerly Invitae), Labcorp
Classification: Uncertain significance for Brugada syndrome 8. Last evaluated: 2025-12-24. Review status: criteria provided, single submitter. Criteria: Invitae Variant Classification Sherloc (09022015). Collection method: clinical testing. Allele origin: germline.
Comment: This sequence change replaces proline, which is neutral and non-polar, with serine, which is neutral and polar, at codon 769 of the HCN4 protein (p.Pro769Ser). This variant is present in population databases (rs751793297, gnomAD 0.01%). This variant has not been reported in the literature in individuals affected with HCN4-related conditions. ClinVar contains an entry for this variant (Variation ID: 1789351). Invitae Evidence Modeling of protein sequence and biophysical properties (such as structural, functional, and spatial information, amino acid conservation, physicochemical variation, residue mobility, and thermodynamic stability) indicates that this missense variant is not expected to disrupt HCN4 protein function with a negative predictive value of 95%. In summary, the available evidence is currently insufficient to determine the role of this variant in disease. Therefore, it has been classified as a Variant of Uncertain Significance.

Ambry Genetics
Classification: Uncertain significance for Cardiovascular phenotype. Last evaluated: 2025-10-24. Review status: criteria provided, single submitter. Criteria: Ambry Variant Classification Scheme 2023. Collection method: clinical testing. Allele origin: germline.

PreventionGenetics, part of Exact Sciences
Classification: Uncertain significance for HCN4-related condition. Last evaluated: 2024-12-29. Review status: criteria provided, single submitter. Criteria: ACMG Guidelines, 2015. Collection method: clinical testing. Allele origin: germline.
Comment: The HCN4 c.2305C>T variant is predicted to result in the amino acid substitution p.Pro769Ser. To our knowledge, this variant has not been reported in the literature. This variant is reported in 0.012% of alleles in individuals of African descent in gnomAD. Although we suspect that this variant may be benign, at this time, the clinical significance of this variant is uncertain due to the absence of conclusive functional and genetic evidence.